The following is an entry in ClinVar:

NM_000038.6(APC):c.2744T>C (p.Val915Ala)

Gene: APC (APC regulator of Wnt signaling pathway; plus strand). Cytogenetic location: 5q22.2.
Variant type: single nucleotide variant.
Coding change: c.2744T>C on transcript NM_000038.6 (MANE Select); coding-DNA position 2744, T replaced by C.
Protein change: p.Val915Ala; replaces valine 915 with alanine.
Molecular consequence: missense variant.
Genome position (GRCh38, 1-based): chr5:112,838,338, T>C. VCF-style: chr5-112838338-T-C. GRCh37 (hg19) VCF-style: chr5-112174035-T-C.
Other names: c.2744T>C, p.Val915Ala (NM_001127510.3, NM_001354895.2); c.2690T>C, p.Val897Ala (NM_001127511.3); c.2798T>C, p.Val933Ala (NM_001354896.2); c.2774T>C, p.Val925Ala (NM_001354897.2); c.2669T>C, p.Val890Ala (NM_001354898.2); c.2660T>C, p.Val887Ala (NM_001354899.2); c.2621T>C, p.Val874Ala (NM_001354900.2); c.2567T>C, p.Val856Ala (NM_001354901.2); and 5 more; short protein forms V897A, V915A, V789A, V814A, V856A, V925A, V632A, V890A.
Identifiers: ClinVar variation 573998 (VCV000573998.12), dbSNP rs773849124, ClinGen allele CA033270.

ClinVar aggregate classification (germline): Conflicting classifications of pathogenicity. Review status: criteria provided, conflicting classifications (1 of 4 stars). 3 submissions from 3 submitters: Uncertain significance (2); Likely benign (1). Last evaluated 2023-10-27.

Conditions:
Familial adenomatous polyposis 1 (FAP1). Also called: POLYPOSIS, ADENOMATOUS INTESTINAL; FAMILIAL ADENOMATOUS POLYPOSIS 1, ATTENUATED. Identifiers: MedGen C2713442, MONDO:0021056, OMIM 175100. Disease mechanism: loss of function.
Hereditary cancer-predisposing syndrome. Also called: Neoplastic Syndromes, Hereditary; Hereditary Cancer Syndrome; Tumor predisposition; Hereditary neoplastic syndrome. Identifiers: Orphanet 140162, MedGen C0027672, MeSH D009386, MONDO:0015356.

Allele frequency attached by ClinVar (database versions not stated): gnomAD exomes 0.00001; ExAC 0.00002; gnomAD 0.00002 and 0.00003; TOPMed 0.00003.
gnomAD v4.1: 4 of 1,614,088 alleles (0.00025%); highest among the groups gnomAD compares: African/African-American, 0.0053%; no homozygotes.

Submissions (3):

Baylor Genetics
Classification: Uncertain significance for Familial adenomatous polyposis 1. Last evaluated: 2023-10-27. Review status: criteria provided, single submitter. Criteria: ACMG Guidelines, 2015. Collection method: clinical testing. Allele origin: unknown.

Ambry Genetics
Classification: Likely benign for Hereditary cancer-predisposing syndrome. Last evaluated: 2023-07-20. Review status: criteria provided, single submitter. Criteria: Ambry Variant Classification Scheme 2023. Collection method: clinical testing. Allele origin: germline.

Labcorp Genetics (formerly Invitae), Labcorp
Classification: Uncertain significance for Familial adenomatous polyposis 1. Last evaluated: 2018-03-10. Review status: criteria provided, single submitter. Criteria: Invitae Variant Classification Sherloc (09022015). Collection method: clinical testing. Allele origin: germline.
Comment: This sequence change replaces valine with alanine at codon 915 of the APC protein (p.Val915Ala). The valine residue is moderately conserved and there is a small physicochemical difference between valine and alanine. This variant is present in population databases (rs773849124, ExAC 0.02%). This variant has not been reported in the literature in individuals with APC-related disease. Algorithms developed to predict the effect of missense changes on protein structure and function (SIFT, PolyPhen-2, Align-GVGD) all suggest that this variant is likely to be tolerated, but these predictions have not been confirmed by published functional studies and their clinical significance is uncertain. In summary, the available evidence is currently insufficient to determine the role of this variant in disease. Therefore, it has been classified as a Variant of Uncertain Significance.